The following is an entry in ClinVar:

NM_001614.5(ACTG1):c.177G>A (p.Gln59=)

Gene: ACTG1 (actin gamma 1; minus strand). Cytogenetic location: 17q25.3.
Variant type: single nucleotide variant.
Coding change: c.177G>A on transcript NM_001614.5 (MANE Select); coding-DNA position 177, G replaced by A.
Protein change: p.Gln59=; no amino-acid change (glutamine 59 retained).
Molecular consequence: synonymous variant. On other transcripts: non-coding transcript variant (1).
Genome position (GRCh38, 1-based): chr17:81,512,089, C>T on the plus strand (G>A on the coding strand, the complement: ACTG1 is on the minus strand). VCF-style: chr17-81512089-C-T. GRCh37 (hg19) VCF-style: chr17-79479115-C-T.
Other names: p.Gln59=; c.177G>A, p.Gln59= (NM_001199954.3).
Identifiers: ClinVar variation 44146 (VCV000044146.27), dbSNP rs11549220, ClinGen allele CA133669.
Genomic context (GRCh38, chr17:81,512,089, plus strand): 5'-CCAGTTGGTGACGATGCCATGCTCAATGGGGTACTTCAGGGTCAGGATGCCACGCTTGCT[C>T]TGGGCCTCGTCGCCCACGTAGGAGTCCTTCTGGCCCATGCCCACCATGACGCCCTGCAGG-3'
Protein context (NP_001605.1, residues 49-69): QKDSYVGDEA[Gln59=]SKRGILTLKY

ClinVar aggregate classification (germline): Benign. Review status: criteria provided, multiple submitters, no conflicts (2 of 4 stars). 12 submissions from 11 submitters: Benign (10). 2 of the submissions do not count toward it. Last evaluated 2026-02-03.

Conditions:
Autosomal dominant nonsyndromic hearing loss 20. Identifiers: Orphanet 90635, MedGen C1858172, MONDO:0011480, OMIM 604717.
Baraitser-winter syndrome 2. Identifiers: Orphanet 2995, MedGen C3281235, MONDO:0013812, OMIM 614583.

Allele frequency attached by ClinVar (database versions not stated): ESP Exome Variant Server 0.01146; gnomAD 0.01161 and 0.01356; TOPMed 0.01328; gnomAD exomes 0.01908 and 0.02355; ExAC 0.02307; 1000 Genomes Project 30x 0.02592; 1000 Genomes Project 0.02596.
gnomAD v4.1: 29,879 of 1,613,906 alleles (1.9%); highest among the groups gnomAD compares: South Asian, 5.7%; 480 homozygotes.

Submissions (12):

Labcorp Genetics (formerly Invitae), Labcorp
Classification: Benign for Baraitser-winter syndrome 2; Autosomal dominant nonsyndromic hearing loss 20. Last evaluated: 2026-02-03. Review status: criteria provided, single submitter. Criteria: Invitae Variant Classification Sherloc (09022015). Collection method: clinical testing. Allele origin: germline.

Blueprint Genetics
Classification: Benign. Last evaluated: 2024-11-27. Review status: criteria provided, single submitter. Criteria: ACMG Guidelines, 2015. Collection method: clinical testing. Allele origin: germline.

Mayo Clinic Laboratories, Mayo Clinic
Classification: Benign. Last evaluated: 2023-12-07. Review status: criteria provided, single submitter. Criteria: ACMG Guidelines, 2015. Collection method: clinical testing. Allele origin: germline. Observed: 12 variant alleles.

Genome-Nilou Lab
Classification: Benign for Baraitser-winter syndrome 2. Last evaluated: 2021-12-05. Review status: criteria provided, single submitter. Criteria: ACMG Guidelines, 2015. Collection method: clinical testing. Allele origin: germline. Affected: no.

Genome-Nilou Lab
Classification: Benign for Autosomal dominant nonsyndromic hearing loss 20. Last evaluated: 2021-12-05. Review status: criteria provided, single submitter. Criteria: ACMG Guidelines, 2015. Collection method: clinical testing. Allele origin: germline. Affected: no.

Athena Diagnostics
Classification: Benign. Last evaluated: 2019-03-30. Review status: criteria provided, single submitter. Criteria: Athena Diagnostics Criteria. Collection method: clinical testing. Allele origin: germline.

GeneDx
Classification: Benign. Last evaluated: 2015-11-09. Review status: criteria provided, single submitter. Criteria: GeneDx Variant Classification (06012015). Collection method: clinical testing. Allele origin: germline. Affected: yes.
Comment: This variant is considered likely benign or benign based on one or more of the following criteria: it is a conservative change, it occurs at a poorly conserved position in the protein, it is predicted to be benign by multiple in silico algorithms, and/or has population frequency not consistent with disease.

Genetic Services Laboratory, University of Chicago
Classification: Benign for AllHighlyPenetrant. Last evaluated: 2013-02-15. Review status: criteria provided, single submitter. Criteria: ACMG Guidelines, 2007. Collection method: clinical testing. Allele origin: germline. Inheritance: Autosomal recessive inheritance.

Laboratory for Molecular Medicine, Mass General Brigham Personalized Medicine
Classification: Benign. Last evaluated: 2012-05-07. Review status: criteria provided, single submitter. Criteria: LMM Criteria. Collection method: clinical testing. Allele origin: germline. Observed: 52 variant alleles.
Comment: "Gln59Gln in Exon 03 of ACTG1: This variant is not expected to have clinical sig nificance because it does not alter an amino acid residue, is not located within the splice consensus sequence, and has been identified in 1.5% (105/7020) of Eu ropean American chromosomes from a broad population by the NHLBI Exome Sequencin g Project (dbSNP rs11549220)."

Breakthrough Genomics
Classification: Benign. Review status: criteria provided, single submitter. Criteria: ACMG Guidelines, 2015. Collection method: not provided. Allele origin: germline. Inheritance: Autosomal dominant inheritance. Affected: yes.

Clinical Genetics DNA and cytogenetics Diagnostics Lab, Erasmus MC, Erasmus Medical Center
Classification: Likely benign. Review status: no assertion criteria provided. Collection method: clinical testing. Allele origin: germline. Affected: yes. Study: VKGL Data-share Consensus. Not counted in ClinVar's aggregate classification.

Joint Genome Diagnostic Labs from Nijmegen and Maastricht, Radboudumc and MUMC+
Classification: Benign. Review status: no assertion criteria provided. Collection method: clinical testing. Allele origin: germline. Affected: yes. Study: VKGL Data-share Consensus. Not counted in ClinVar's aggregate classification.